The following is an entry in ClinVar:

NM_004360.5(CDH1):c.892G>C (p.Ala298Pro)

Gene: CDH1 (cadherin 1; plus strand). Cytogenetic location: 16q22.1.
Variant type: single nucleotide variant.
Coding change: c.892G>C on transcript NM_004360.5 (MANE Select); coding-DNA position 892, G replaced by C.
Protein change: p.Ala298Pro; replaces alanine 298 with proline.
Molecular consequence: missense variant. On other transcripts: 5 prime UTR variant (2).
Genome position (GRCh38, 1-based): chr16:68,811,743, G>C. VCF-style: chr16-68811743-G-C. GRCh37 (hg19) VCF-style: chr16-68845646-G-C.
Other names: c.892G>C, p.Ala298Pro (NM_001317184.2); c.-724G>C (NM_001317185.2); c.-928G>C (NM_001317186.2); short protein forms A298P.
Identifiers: ClinVar variation 2502929 (VCV002502929.2), dbSNP rs142822590, ClinGen allele CA396459662.

ClinVar aggregate classification (germline): Uncertain significance. Review status: criteria provided, multiple submitters, no conflicts (2 of 4 stars). 2 submissions from 2 submitters: Uncertain significance (2). Last evaluated 2026-03-13.

Conditions:
Hereditary diffuse gastric adenocarcinoma (HDGC). Also called: DIFFUSE GASTRIC AND LOBULAR BREAST CANCER SYNDROME. Identifiers: Orphanet 26106, MedGen C1708349, MONDO:0007648, OMIM 137215.
Hereditary cancer-predisposing syndrome. Also called: Neoplastic Syndromes, Hereditary; Tumor predisposition; Hereditary Cancer Syndrome; Hereditary neoplastic syndrome. Identifiers: Orphanet 140162, MedGen C0027672, MeSH D009386, MONDO:0015356.

Submissions (2):

Ambry Genetics
Classification: Uncertain significance for Hereditary cancer-predisposing syndrome. Last evaluated: 2026-03-13. Review status: criteria provided, single submitter. Criteria: Ambry Variant Classification Scheme 2023. Collection method: clinical testing. Allele origin: germline.
Comment: The p.A298P variant (also known as c.892G>C), located in coding exon 7 of the CDH1 gene, results from a G to C substitution at nucleotide position 892. The alanine at codon 298 is replaced by proline, an amino acid with highly similar properties. This amino acid position is not well conserved in available vertebrate species. In addition, the in silico prediction for this alteration is inconclusive. Based on the available evidence, the clinical significance of this variant remains unclear.

European Reference Network on Genetic Tumour Risk Syndromes (ERN-GENTURIS), i3s - Instituto de Investigação e Inovação em Saúde, University of Porto
Classification: Uncertain significance for Hereditary diffuse gastric adenocarcinoma. Last evaluated: 2022-08-01. Review status: criteria provided, single submitter. Criteria: Lee et al. (Hum Mutat. 2018). Collection method: clinical testing. Allele origin: germline. Inheritance: Autosomal dominant inheritance. Affected: no. Study: ERN GENTURIS.
Comment: PM2; BS2_Supporting (PMID: 30311375)

Literature cited by the submitters: PubMed 36436516 (cited by European Reference Network on Genetic Tumour Risk Syndromes (ERN-GENTURIS), i3s - Instituto de Investigação e Inovação em Saúde, University of Porto).